The following is an entry in ClinVar:

NM_002693.3(POLG):c.3242G>A (p.Arg1081Gln)

Gene: POLG (DNA polymerase gamma, catalytic subunit; minus strand). Cytogenetic location: 15q26.1.
Variant type: single nucleotide variant.
Coding change: c.3242G>A on transcript NM_002693.3 (MANE Select); coding-DNA position 3242, G replaced by A.
Protein change: p.Arg1081Gln; replaces arginine 1081 with glutamine.
Molecular consequence: missense variant.
Genome position (GRCh38, 1-based): chr15:89,318,962, C>T on the plus strand (G>A on the coding strand, the complement: POLG is on the minus strand). VCF-style: chr15-89318962-C-T. GRCh37 (hg19) VCF-style: chr15-89862193-C-T.
Other names: c.3242G>A, p.Arg1081Gln (NM_001126131.2); short protein forms R1081Q.
Identifiers: ClinVar variation 458712 (VCV000458712.62), dbSNP rs140079523, ClinGen allele CA7724198.
Genomic context (GRCh38, chr15:89,318,962, plus strand): 5'-CTGCCCATGCTCCAAAGGTAGCAAGATACCTCTTCCTGGACAGCCGAGGGCTCCAGGGCT[C>T]GGCTGATGCAGCAGCCCAGCACCGGGGTACGTGGTATGTCAGACGTAGCAATGCTCTCAA-3'
Protein context (NP_002684.1, residues 1071-1091): RTPVLGCCIS[Arg1081Gln]ALEPSAVQEE

ClinVar aggregate classification (germline): Conflicting classifications of pathogenicity. Review status: criteria provided, conflicting classifications (1 of 4 stars). 10 submissions from 10 submitters: Pathogenic (1); Likely pathogenic (3); Uncertain significance (6). Last evaluated 2026-08-20.

Conditions:
Inborn genetic diseases. Identifiers: MedGen C0950123, MeSH D030342.
POLG-related disorder. Also called: POLG-Related Spectrum Disorders; POLG-related condition; POLG-Related Disorders. Identifiers: MedGen C4763519.
Progressive sclerosing poliodystrophy (MTDPS4A). Also called: ALPERS PROGRESSIVE INFANTILE POLIODYSTROPHY; ALPERS DIFFUSE DEGENERATION OF CEREBRAL GRAY MATTER WITH HEPATIC CIRRHOSIS; Alpers-Huttenlocher Syndrome; Alpers Syndrome; Mitochondrial DNA depletion syndrome 4A (Alpers type); Alpers-Huttenlocher Syndrome (AHS). Identifiers: Orphanet 726, MedGen C0205710, MONDO:0008758, OMIM 203700.

Allele frequency attached by ClinVar (database versions not stated): ExAC 0.00001; gnomAD 0.00001; TOPMed 0.00001; 1000 Genomes Project 30x 0.00016; 1000 Genomes Project 0.00020.
gnomAD v4.1: 12 of 1,614,130 alleles (0.00074%); highest among the groups gnomAD compares: South Asian, 0.0022%; no homozygotes.

Submissions (10):

PreventionGenetics, part of Exact Sciences
Classification: Uncertain significance for POLG-related condition. Last evaluated: 2026-08-20. Review status: criteria provided, single submitter. Criteria: ACMG Guidelines, 2015. Collection method: clinical testing. Allele origin: germline.
Comment: The POLG c.3242G>A variant is predicted to result in the amino acid substitution p.Arg1081Gln. This variant has been reported with a second POLG variant in siblings with Alpers-like syndrome (Ferreira et al. 2011. PubMed ID: 21550804). It has also been reported in the heterozygous state in individuals with POLG-related disorders, including an individual with later-onset cerebellar ataxia in whom the variant was reported to occur de novo (Ferreira et al. 2011. PubMed ID: 21550804; Supplemental Table 2, Ji et al. 2019. PubMed ID: 30755392; Supplementary Table 2, Truty et al. 2019. PubMed ID: 31440721). This variant is reported in 0.0099% of alleles in individuals of Ashkenazi Jewish descent in gnomAD. Another variant affecting the same amino acid (p.Arg1081Pro) has also been reported in an individual with a POLG-related disorder (Tang et al. 2011. PubMed ID: 21880868). Although we suspect that this variant may be pathogenic, at this time, the clinical significance of this variant is uncertain due to the absence of conclusive functional and genetic evidence.

Labcorp Genetics (formerly Invitae), Labcorp
Classification: Uncertain significance for Progressive sclerosing poliodystrophy. Last evaluated: 2024-04-22. Review status: criteria provided, single submitter. Criteria: Invitae Variant Classification Sherloc (09022015). Collection method: clinical testing. Allele origin: germline.
Comment: This sequence change replaces arginine, which is basic and polar, with glutamine, which is neutral and polar, at codon 1081 of the POLG protein (p.Arg1081Gln). This variant is present in population databases (rs140079523, gnomAD 0.01%). This missense change has been observed in individual(s) with POLG-related condtions (PMID: 21550804, 30755392). ClinVar contains an entry for this variant (Variation ID: 458712). Advanced modeling of protein sequence and biophysical properties (such as structural, functional, and spatial information, amino acid conservation, physicochemical variation, residue mobility, and thermodynamic stability) has been performed at Invitae for this missense variant, however the output from this modeling did not meet the statistical confidence thresholds required to predict the impact of this variant on POLG protein function. In summary, the available evidence is currently insufficient to determine the role of this variant in disease. Therefore, it has been classified as a Variant of Uncertain Significance.

Baylor Genetics
Classification: Likely pathogenic for Progressive sclerosing poliodystrophy. Last evaluated: 2023-10-18. Review status: criteria provided, single submitter. Criteria: ACMG Guidelines, 2015. Collection method: clinical testing. Allele origin: unknown.

GeneDx
Classification: Uncertain significance. Last evaluated: 2022-09-07. Review status: criteria provided, single submitter. Criteria: GeneDx Variant Classification Process June 2021. Collection method: clinical testing. Allele origin: germline. Affected: yes.
Comment: Previously reported as heterozygous in an individual with cerebellar ataxia, muscle weakness, and tremor, and in two siblings with Alpers-like presentation with seizures and psychomotor regression, who also harbored a second POLG variant; parental studies were not performed (Ferreira et al., 2011); Identified in the heterozygous state in a patient with cortical visual impairment, hypotonia, global developmental delay, infantile spasms, and microcephaly in published literature (Ji et al., 2019), but this variant was inherited from a parent whose clinical status was not provided; Not observed at significant frequency in large population cohorts (gnomAD); In silico analysis supports that this missense variant has a deleterious effect on protein structure/function; This variant is associated with the following publications: (PMID: 21550804, 30755392, 33671400, 25203713)

Blueprint Genetics
Classification: Likely pathogenic for POLG-related disorders. Last evaluated: 2022-06-03. Review status: criteria provided, single submitter. Criteria: ACMG Guidelines, 2015. Collection method: clinical testing. Allele origin: germline. Affected: yes. Observed: 2 variant alleles.

Mendelics
Classification: Pathogenic for Progressive sclerosing poliodystrophy. Last evaluated: 2019-05-28. Review status: criteria provided, single submitter. Criteria: Mendelics Assertion Criteria 2017. Collection method: clinical testing. Allele origin: unknown.

Center for Personalized Medicine, Children's Hospital Los Angeles
Classification: Uncertain significance. Last evaluated: 2018-11-19. Review status: criteria provided, single submitter. Criteria: ACMG Guidelines, 2015. Collection method: clinical testing. Allele origin: germline. Affected: yes.

Ambry Genetics
Classification: Uncertain significance for Inborn genetic diseases. Last evaluated: 2018-04-09. Review status: criteria provided, single submitter. Criteria: Ambry Variant Classification Scheme 2023. Collection method: clinical testing. Allele origin: germline.
Comment: The p.R1081Q variant (also known as c.3242G>A), located in coding exon 19 of the POLG gene, results from a G to A substitution at nucleotide position 3242. The arginine at codon 1081 is replaced by glutamine, an amino acid with highly similar properties. In one study, this alteration was detected in conjunction with POLG p.A862T (c.2584G>A) in siblings with Alpers-like syndrome; however, phase of these two alterations was not confirmed. This alteration was also detected in an unrelated patient with ataxia and muscle weakness; however, a second POLG variant was not identified (Ferreira M et al. Neuromuscul. Disord., 2011 Jul;21:483-8). Another alteration at this codon (p.R1081P) was also detected in a patient with features suggestive of POLG deficiency (Tang S et al. J. Med. Genet., 2011 Oct;48:669-81). This amino acid position is highly conserved in available vertebrate species. In addition, this alteration is predicted to be deleterious by in silico analysis. Since supporting evidence is limited at this time, the clinical significance of this alteration remains unclear.

CeGaT Center for Human Genetics Tuebingen
Classification: Likely pathogenic. Last evaluated: 2016-05-01. Review status: criteria provided, single submitter. Criteria: CeGaT Center For Human Genetics Tuebingen Variant Classification Criteria Version 2. Collection method: clinical testing. Allele origin: germline. Affected: yes. Observed: 1 variant allele.

Juno Genomics, Hangzhou Juno Genomics, Inc
Classification: Uncertain significance for Progressive sclerosing poliodystrophy. Review status: criteria provided, single submitter. Criteria: ACMG Guidelines, 2015. Collection method: clinical testing. Allele origin: germline.
Comment: Absent from controls (or at extremely low frequency if recessive) in Genome Aggregation Database.;Multiple lines of computational evidence support a deleterious effect on the gene or gene product.;For recessive disorders, detected in trans with a pathogenic variant.

Literature cited by the submitters: PubMed 21550804 (cited by Labcorp Genetics (formerly Invitae), Labcorp and Ambry Genetics); PubMed 30755392 (cited by Labcorp Genetics (formerly Invitae), Labcorp); PubMed 21880868 (cited by Ambry Genetics).